The following is an entry in ClinVar:

ClinVar aggregate classification (germline): Uncertain significance. Review status: criteria provided, multiple submitters, no conflicts (2 of 4 stars). 3 submissions from 3 submitters: Uncertain significance (3). Last evaluated 2025-01-01.

Conditions:
Inborn genetic diseases. Identifiers: MedGen C0950123, MeSH D030342.

Allele frequency attached by ClinVar (database versions not stated): ExAC 0.00002; gnomAD exomes 0.00002; TOPMed 0.00002; gnomAD 0.00003; ESP Exome Variant Server 0.00008.
gnomAD v4.1: 29 of 1,613,168 alleles (0.0018%); highest among the groups gnomAD compares: Non-Finnish European, 0.0023%; no homozygotes.

Submissions (3):

Ambry Genetics
Classification: Uncertain significance for Inborn genetic diseases. Last evaluated: 2025-01-01. Review status: criteria provided, single submitter. Criteria: Ambry Variant Classification Scheme 2023. Collection method: clinical testing. Allele origin: germline.

Blueprint Genetics
Classification: Uncertain significance. Last evaluated: 2023-07-28. Review status: criteria provided, single submitter. Criteria: ACMG Guidelines, 2015. Collection method: clinical testing. Allele origin: germline.

Labcorp Genetics (formerly Invitae), Labcorp
Classification: Uncertain significance. Last evaluated: 2022-10-17. Review status: criteria provided, single submitter. Criteria: Invitae Variant Classification Sherloc (09022015). Collection method: clinical testing. Allele origin: germline.
Comment: This sequence change replaces proline, which is neutral and non-polar, with leucine, which is neutral and non-polar, at codon 790 of the NBAS protein (p.Pro790Leu). This variant is present in population databases (rs373363220, gnomAD 0.003%). This variant has not been reported in the literature in individuals affected with NBAS-related conditions. Advanced modeling of protein sequence and biophysical properties (such as structural, functional, and spatial information, amino acid conservation, physicochemical variation, residue mobility, and thermodynamic stability) performed at Invitae indicates that this missense variant is not expected to disrupt NBAS protein function. In summary, the available evidence is currently insufficient to determine the role of this variant in disease. Therefore, it has been classified as a Variant of Uncertain Significance.

NM_015909.4(NBAS):c.2369C>T (p.Pro790Leu)

Gene: NBAS (NBAS subunit of NRZ tethering complex; minus strand). Cytogenetic location: 2p24.3.
Variant type: single nucleotide variant.
Coding change: c.2369C>T on transcript NM_015909.4 (MANE Select); coding-DNA position 2369, C replaced by T.
Protein change: p.Pro790Leu; replaces proline 790 with leucine.
Molecular consequence: missense variant. On other transcripts: non-coding transcript variant (1).
Genome position (GRCh38, 1-based): chr2:15,427,765, G>A on the plus strand (C>T on the coding strand, the complement: NBAS is on the minus strand). VCF-style: chr2-15427765-G-A. GRCh37 (hg19) VCF-style: chr2-15567889-G-A.
Other names: c.2369C>T (NM_015909.2); short protein forms P790L.
Identifiers: ClinVar variation 2417505 (VCV002417505.4), dbSNP rs373363220, ClinGen allele CA1536369.